The following is an entry in ClinVar:

NM_024675.4(PALB2):c.2841G>C (p.Leu947Phe)

Gene: PALB2 (partner and localizer of BRCA2; minus strand). Cytogenetic location: 16p12.2.
Variant type: single nucleotide variant.
Coding change: c.2841G>C on transcript NM_024675.4 (MANE Select); coding-DNA position 2841, G replaced by C.
Protein change: p.Leu947Phe; replaces leucine 947 with phenylalanine.
Molecular consequence: missense variant.
Genome position (GRCh38, 1-based): chr16:23,623,124, C>G on the plus strand (G>C on the coding strand, the complement: PALB2 is on the minus strand). VCF-style: chr16-23623124-C-G. GRCh37 (hg19) VCF-style: chr16-23634445-C-G.
Other names: short protein forms L947F.
Identifiers: ClinVar variation 657666 (VCV000657666.13), dbSNP rs45525135, ClinGen allele CA395144524.

ClinVar aggregate classification (germline): Uncertain significance. Review status: criteria provided, multiple submitters, no conflicts (2 of 4 stars). 2 submissions from 2 submitters: Uncertain significance (2). Last evaluated 2026-01-05.

Conditions:
Hereditary cancer-predisposing syndrome. Also called: Neoplastic Syndromes, Hereditary; Hereditary neoplastic syndrome; Tumor predisposition; Hereditary Cancer Syndrome. Identifiers: Orphanet 140162, MedGen C0027672, MeSH D009386, MONDO:0015356.
Familial cancer of breast. Also called: Hereditary breast cancer; BREAST CANCER, FAMILIAL; hereditary breast carcinoma. Identifiers: Orphanet 227535, MedGen C0346153, MONDO:0016419, OMIM 114480. Disease mechanism: loss of function.

Submissions (2):

Ambry Genetics
Classification: Uncertain significance for Hereditary cancer-predisposing syndrome. Last evaluated: 2026-01-05. Review status: criteria provided, single submitter. Criteria: Ambry Variant Classification Scheme 2023. Collection method: clinical testing. Allele origin: germline.

Labcorp Genetics (formerly Invitae), Labcorp
Classification: Uncertain significance for Familial cancer of breast. Last evaluated: 2022-07-28. Review status: criteria provided, single submitter. Criteria: Invitae Variant Classification Sherloc (09022015). Collection method: clinical testing. Allele origin: germline.
Comment: ClinVar contains an entry for this variant (Variation ID: 657666). This variant has not been reported in the literature in individuals affected with PALB2-related conditions. This variant is not present in population databases (gnomAD no frequency). This sequence change replaces leucine, which is neutral and non-polar, with phenylalanine, which is neutral and non-polar, at codon 947 of the PALB2 protein (p.Leu947Phe). Algorithms developed to predict the effect of missense changes on protein structure and function are either unavailable or do not agree on the potential impact of this missense change (SIFT: "Deleterious"; PolyPhen-2: "Probably Damaging"; Align-GVGD: "Class C15"). Experimental studies have shown that this missense change affects PALB2 function (PMID: 31586400, 31636395). In summary, the available evidence is currently insufficient to determine the role of this variant in disease. Therefore, it has been classified as a Variant of Uncertain Significance.

Literature cited by the submitters: PubMed 31586400 (cited by Labcorp Genetics (formerly Invitae), Labcorp); PubMed 31636395 (cited by Labcorp Genetics (formerly Invitae), Labcorp).